The following is an entry in ClinVar:

NM_001009944.3(PKD1):c.10436del (p.Glu3479fs)

Gene: PKD1 (polycystin 1, transient receptor potential channel interacting; minus strand). Cytogenetic location: 16p13.3.
Variant type: Deletion.
Coding change: c.10436del on transcript NM_001009944.3 (MANE Select); coding-DNA position 10436, one base deleted (A; older notation c.10436delA).
Protein change: p.Glu3479fs; shifts the reading frame from glutamic acid 3479.
Molecular consequence: frameshift variant.
Genome position (GRCh38, 1-based): chr16:2,097,211, T deleted on the plus strand (A on the coding strand, the reverse complement: PKD1 is on the minus strand). VCF-style (leftmost placement, unchanged base first): chr16-2097210-CT-C. GRCh37 (hg19) VCF-style: chr16-2147211-CT-C.
Other names: c.10433del, p.Glu3478fs (NM_000296.4); short protein forms E3478fs, E3479fs.
Identifiers: ClinVar variation 3907683 (VCV003907683.1).
Genomic context (GRCh38, chr16:2,097,210, plus strand): 5'-GCTGCTGAGCAGGTCCGTTTCCATGTGGGTGTCTTGGGTAGGGGCTGGGCTGCTGACCCC[CT>C]CGGCAAGGACCTGCTGGATCAGGTCTTCATCTAGAGGTACAGGAGGCATAGGGTGGGCCC-3'

ClinVar aggregate classification (germline): Pathogenic (1 of 4 stars; one submission).

Conditions:
Polycystic kidney disease, adult type (PKD1). Also called: Polycystic Kidney Disease 1, Autosomal Dominant; Polycystic kidney disease 1; Polycystic kidney disease 1, severe; Polycystic Kidney, Autosomal Dominant; POLYCYSTIC KIDNEY DISEASE 1 WITH OR WITHOUT POLYCYSTIC LIVER DISEASE; POLYCYSTIC KIDNEY DISEASE, ADULT, TYPE I. Identifiers: MedGen C3149841, MONDO:0008263, OMIM 173900.

Submission:

MVZ Medizinische Genetik Mainz
Classification: Pathogenic for Polycystic kidney disease, adult type. Last evaluated: 2025-05-19. Review status: criteria provided, single submitter. Criteria: UK Practice Guidelines For Variant Classification V4 01 2020. Collection method: clinical testing. Allele origin: germline. Inheritance: Autosomal dominant inheritance. Affected: yes. Observed: 1 variant allele.
Comment: ACMG Criteria: PVS1,PM2_SUP,PP4